The following is an entry in ClinVar:

ClinVar aggregate classification (germline): Uncertain significance. Review status: criteria provided, multiple submitters, no conflicts (2 of 4 stars). 2 submissions from 2 submitters: Uncertain significance (2). Last evaluated 2025-04-01.

Conditions:
Neuropathy, hereditary sensory and autonomic, type 2A (HSAN2A). Also called: ACROOSTEOLYSIS, GIACCAI TYPE; ACROOSTEOLYSIS, NEUROGENIC; HSAN IIA; WNK1-Related HSAN2 (HSAN2A); MORVAN DISEASE; NEUROPATHY, CONGENITAL SENSORY. Identifiers: Orphanet 970, MedGen C2752089, MONDO:0024309, OMIM 201300.
Generalized epilepsy with febrile seizures plus, type 7 (GEFSP7). Also called: GEFS+, TYPE 7. Identifiers: Orphanet 36387, MedGen C2751778, MONDO:0013470, OMIM 613863.
Inborn genetic diseases. Identifiers: MedGen C0950123, MeSH D030342.

gnomAD v4.1: 1 of 1,613,340 alleles (0.000062%); highest among the groups gnomAD compares: Non-Finnish European, 0.000085%; no homozygotes.

Submissions (2):

Labcorp Genetics (formerly Invitae), Labcorp
Classification: Uncertain significance for Neuropathy, hereditary sensory and autonomic, type 2A; Generalized epilepsy with febrile seizures plus, type 7. Last evaluated: 2025-04-01. Review status: criteria provided, single submitter. Criteria: Invitae Variant Classification Sherloc (09022015). Collection method: clinical testing. Allele origin: germline.
Comment: This sequence change replaces alanine, which is neutral and non-polar, with threonine, which is neutral and polar, at codon 416 of the SCN9A protein (p.Ala416Thr). This variant is present in population databases (rs748758312, gnomAD 0.006%). This variant has not been reported in the literature in individuals affected with SCN9A-related conditions. ClinVar contains an entry for this variant (Variation ID: 3316628). Invitae Evidence Modeling of protein sequence and biophysical properties (such as structural, functional, and spatial information, amino acid conservation, physicochemical variation, residue mobility, and thermodynamic stability) indicates that this missense variant is not expected to disrupt SCN9A protein function with a negative predictive value of 95%. In summary, the available evidence is currently insufficient to determine the role of this variant in disease. Therefore, it has been classified as a Variant of Uncertain Significance.

Ambry Genetics
Classification: Uncertain significance for Inborn genetic diseases. Last evaluated: 2024-04-08. Review status: criteria provided, single submitter. Criteria: Ambry Variant Classification Scheme 2023. Collection method: clinical testing. Allele origin: germline.

NM_001365536.1(SCN9A):c.1246G>A (p.Ala416Thr)

Genes: SCN1A-AS1 (SCN1A and SCN9A antisense RNA 1; plus strand), SCN9A (sodium voltage-gated channel alpha subunit 9; minus strand). Cytogenetic location: 2q24.3.
Variant type: single nucleotide variant.
Coding change: c.1246G>A on transcript NM_001365536.1 (MANE Select); coding-DNA position 1246, G replaced by A.
Protein change: p.Ala416Thr; replaces alanine 416 with threonine.
Molecular consequence: missense variant.
Genome position (GRCh38, 1-based): chr2:166,288,505, C>T on the plus strand (G>A on the coding strand, the complement: SCN9A is on the minus strand). VCF-style: chr2-166288505-C-T. GRCh37 (hg19) VCF-style: chr2-167145015-C-T.
Other names: c.1246G>A, p.Ala416Thr (NM_002977.4); short protein forms A416T.
Identifiers: ClinVar variation 3316628 (VCV003316628.2).